The following is an entry in ClinVar:

NM_033118.4(MYLK2):c.997G>T (p.Val333Phe)

Gene: MYLK2 (myosin light chain kinase 2; plus strand). Cytogenetic location: 20q11.21.
Variant type: single nucleotide variant.
Coding change: c.997G>T on transcript NM_033118.4 (MANE Select); coding-DNA position 997, G replaced by T.
Protein change: p.Val333Phe; replaces valine 333 with phenylalanine.
Molecular consequence: missense variant.
Genome position (GRCh38, 1-based): chr20:31,826,629, G>T. VCF-style: chr20-31826629-G-T. GRCh37 (hg19) VCF-style: chr20-30414432-G-T.
Other names: short protein forms V333F.
Identifiers: ClinVar variation 3228206 (VCV003228206.1), dbSNP rs1357697088, ClinGen allele CA408526867.

ClinVar aggregate classification (germline): Uncertain significance (1 of 4 stars; one submission).

Allele frequency attached by ClinVar (database versions not stated): TOPMed below 0.00001; gnomAD 0.00001.
gnomAD v4.1: 8 of 1,613,878 alleles (0.0005%); highest among the groups gnomAD compares: African/African-American, 0.0013%; no homozygotes.

Submission:

Ambry Genetics
Classification: Uncertain significance. Last evaluated: 2023-12-10. Review status: criteria provided, single submitter. Criteria: Ambry Variant Classification Scheme 2023. Collection method: clinical testing. Allele origin: germline.
Comment: The p.V333F variant (also known as c.997G>T), located in coding exon 6 of the MYLK2 gene, results from a G to T substitution at nucleotide position 997. The valine at codon 333 is replaced by phenylalanine, an amino acid with highly similar properties. This amino acid position is conserved. In addition, the in silico prediction for this alteration is inconclusive. Since supporting evidence is limited at this time, the clinical significance of this alteration remains unclear.